The following is an entry in ClinVar:

NM_001374259.2(IL12RB2):c.592G>T (p.Ala198Ser)

Gene: IL12RB2 (interleukin 12 receptor subunit beta 2; plus strand). Cytogenetic location: 1p31.3.
Variant type: single nucleotide variant.
Coding change: c.592G>T on transcript NM_001374259.2 (MANE Select); coding-DNA position 592, G replaced by T.
Protein change: p.Ala198Ser; replaces alanine 198 with serine.
Molecular consequence: missense variant. On other transcripts: non-coding transcript variant (2).
Genome position (GRCh38, 1-based): chr1:67,328,312, G>T. VCF-style: chr1-67328312-G-T. GRCh37 (hg19) VCF-style: chr1-67793995-G-T.
Other names: c.592G>T, p.Ala198Ser (NM_001258214.1, NM_001258215.1, NM_001258216.1 and 2 more transcripts); short protein forms A198S.
Identifiers: ClinVar variation 2966417 (VCV002966417.3), dbSNP rs1173335582, ClinGen allele CA340733126.

ClinVar aggregate classification (germline): Uncertain significance (1 of 4 stars; one submission).

Allele frequency attached by ClinVar (database versions not stated): gnomAD exomes below 0.00001.

Submission:

Labcorp Genetics (formerly Invitae), Labcorp
Classification: Uncertain significance. Last evaluated: 2022-12-02. Review status: criteria provided, single submitter. Criteria: Invitae Variant Classification Sherloc (09022015). Collection method: clinical testing. Allele origin: germline.
Comment: In summary, the available evidence is currently insufficient to determine the role of this variant in disease. Therefore, it has been classified as a Variant of Uncertain Significance. This sequence change replaces alanine, which is neutral and non-polar, with serine, which is neutral and polar, at codon 198 of the IL12RB2 protein (p.Ala198Ser). This variant is not present in population databases (gnomAD no frequency). This variant has not been reported in the literature in individuals affected with IL12RB2-related conditions. Algorithms developed to predict the effect of missense changes on protein structure and function are either unavailable or do not agree on the potential impact of this missense change (SIFT: "Tolerated"; PolyPhen-2: "Probably Damaging"; Align-GVGD: "Class C15").